The following is an entry in ClinVar:

ClinVar aggregate classification (germline): Likely benign (1 of 4 stars; one submission).

Conditions:
Malignant hyperthermia, susceptibility to, 1 (MHS1). Also called: Anesthesia related hyperthermia; Malignant hyperpyrexia; Fulminating hyperpyrexia; Pharmacogenic myopathy; RYR1-Related Malignant Hyperthermia Susceptibility; Malignant hyperthermia suceptibility 1. Identifiers: Orphanet 423, MedGen C2930980, MONDO:0007783, OMIM 145600.

Allele frequency attached by ClinVar (database versions not stated): gnomAD exomes below 0.00001.
gnomAD v4.1: 4 of 1,614,084 alleles (0.00025%); highest among the groups gnomAD compares: Non-Finnish European, 0.00034%; no homozygotes.

Submission:

All of Us Research Program, National Institutes of Health
Classification: Likely benign for Malignant hyperthermia, susceptibility to, 1. Last evaluated: 2024-03-14. Review status: criteria provided, single submitter. Criteria: ACMG Guidelines, 2015. Collection method: clinical testing. Allele origin: germline. Inheritance: Autosomal dominant inheritance. Observed: 2 variant alleles, 2 heterozygotes.
Comment: This study involves interpretation of variants in research participants for the purpose of population health screening. Participant phenotype was not available at the time of variant classification. Additional details can be found in publication PMID: 35346344, PMCID: PMC8962531

NM_000540.3(RYR1):c.8617-3C>T

Gene: RYR1 (ryanodine receptor 1; plus strand). Cytogenetic location: 19q13.2.
Variant type: single nucleotide variant.
Coding change: c.8617-3C>T on transcript NM_000540.3 (MANE Select); 3 bases into the intron before coding-DNA position 8617, C replaced by T.
Molecular consequence: intron variant.
Genome position (GRCh38, 1-based): chr19:38,506,468, C>T. VCF-style: chr19-38506468-C-T. GRCh37 (hg19) VCF-style: chr19-38997108-C-T.
Other names: c.8617-3C>T (NM_001042723.2).
Identifiers: ClinVar variation 3071296 (VCV003071296.2), dbSNP rs2514367166, ClinGen allele CA2576771321.